The following is an entry in ClinVar:

NM_014946.4(SPAST):c.1163A>G (p.Lys388Arg)

Gene: SPAST (spastin; plus strand). Cytogenetic location: 2p22.3.
Variant type: single nucleotide variant.
Coding change: c.1163A>G on transcript NM_014946.4 (MANE Select); coding-DNA position 1163, A replaced by G.
Protein change: p.Lys388Arg; replaces lysine 388 with arginine.
Molecular consequence: missense variant.
Genome position (GRCh38, 1-based): chr2:32,127,012, A>G. VCF-style: chr2-32127012-A-G. GRCh37 (hg19) VCF-style: chr2-32352081-A-G.
Other names: c.1064A>G, p.Lys355Arg (NM_001363875.2); c.1067A>G, p.Lys356Arg (NM_001377959.1, NM_199436.2); c.1160A>G, p.Lys387Arg (NM_001363823.2); short protein forms K387R, K388R, K355R, K356R.
Identifiers: ClinVar variation 1442734 (VCV001442734.6), dbSNP rs1553316837, ClinGen allele CA346501327.
Genomic context (GRCh38, chr2:32,127,012, plus strand): 5'-TCACAGGGCTTAGAGCTCCTGCCAGAGGGCTGTTACTCTTTGGTCCACCTGGGAATGGGA[A>G]GACAATGCTGGTAAGGGTTCTCTTCAAATTTGAGTTTTCTGTTGAGATATTTGGGATAAT-3'
Protein context (NP_055761.2, residues 378-398): LLLFGPPGNG[Lys388Arg]TMLAKAVAAE

ClinVar aggregate classification (germline): Pathogenic (1 of 4 stars; one submission).

Conditions:
Hereditary spastic paraplegia 4. Also called: Spastic paraplegia 4, autosomal dominant; Familial spastic paraplegia autosomal dominant 2; Spastic Paraplegia 4. Identifiers: Orphanet 100985, MedGen C1866855, MONDO:0008438, OMIM 182601.

Submission:

Labcorp Genetics (formerly Invitae), Labcorp
Classification: Pathogenic for Hereditary spastic paraplegia 4. Last evaluated: 2021-11-27. Review status: criteria provided, single submitter. Criteria: Invitae Variant Classification Sherloc (09022015). Collection method: clinical testing. Allele origin: germline.
Comment: This missense change has been observed in individuals with hereditary spastic paraplegia (PMID: 10699187, 12161613). This variant is not present in population databases (gnomAD no frequency). This sequence change replaces lysine, which is basic and polar, with arginine, which is basic and polar, at codon 388 of the SPAST protein (p.Lys388Arg). This variant is also known as 1288A→G. For these reasons, this variant has been classified as Pathogenic. This variant disrupts the p.Lys388 amino acid residue in SPAST. Other variant(s) that disrupt this residue have been determined to be pathogenic (PMID: 30476002; Invitae). This suggests that this residue is clinically significant, and that variants that disrupt this residue are likely to be disease-causing. Experimental studies have shown that this missense change affects SPAST function (PMID: 20665701). Advanced modeling of protein sequence and biophysical properties (such as structural, functional, and spatial information, amino acid conservation, physicochemical variation, residue mobility, and thermodynamic stability) performed at Invitae indicates that this missense variant is expected to disrupt SPAST protein function.

Literature cited by the submitters: PubMed 10699187; PubMed 12161613; PubMed 30476002; PubMed 20665701.